The following is an entry in ClinVar:

NM_001369623.2(PI4KB):c.508G>A (p.Glu170Lys)

Gene: PI4KB (phosphatidylinositol 4-kinase beta; minus strand). Cytogenetic location: 1q21.3.
Variant type: single nucleotide variant.
Coding change: c.508G>A on transcript NM_001369623.2 (MANE Select); coding-DNA position 508, G replaced by A.
Protein change: p.Glu170Lys; replaces glutamic acid 170 with lysine.
Molecular consequence: missense variant. On other transcripts: intron variant (1).
Genome position (GRCh38, 1-based): chr1:151,315,974, C>T on the plus strand (G>A on the coding strand, the complement: PI4KB is on the minus strand). VCF-style: chr1-151315974-C-T. GRCh37 (hg19) VCF-style: chr1-151288450-C-T.
Other names: c.544G>A (NM_002651.3); c.508G>A, p.Glu170Lys (NM_001198773.3, NM_001198774.2, NM_001330721.2 and 3 more transcripts); c.544G>A, p.Glu182Lys (NM_001369625.1, NM_001369628.1, NM_002651.4); c.-42-8173G>A (NM_001198775.3); short protein forms E170K, E182K.
Identifiers: ClinVar variation 2471593 (VCV002471593.4), dbSNP rs375283129, ClinGen allele CA1089377.
Genomic context (GRCh38, chr1:151,315,974, plus strand): 5'-CGTCCTCATCCATGTGGATGTACATGTTAAGCAACTGGGGCAGATAGAAGTCCACGTCCT[C>T]GTTGCGAAAGCAGAAGAGCCGGTTGCCAATGTAGGCTTGTACTCCAGGCTCCTTGGAGTT-3'
Protein context (NP_001356552.1, residues 160-180): IGNRLFCFRN[Glu170Lys]DVDFYLPQLL

ClinVar aggregate classification (germline): Uncertain significance. Review status: criteria provided, multiple submitters, no conflicts (2 of 4 stars). 2 submissions from 2 submitters: Uncertain significance (2). Last evaluated 2025-06-27.

Conditions:
PI4KB-related disorder. Also called: PI4KB-related condition.

Allele frequency attached by ClinVar (database versions not stated): ExAC 0.00004; gnomAD 0.00006; TOPMed 0.00007; gnomAD exomes 0.00009; ESP Exome Variant Server 0.00015.
gnomAD v4.1: 137 of 1,612,840 alleles (0.0085%); highest among the groups gnomAD compares: Non-Finnish European, 0.011%; no homozygotes.

Submissions (2):

Ambry Genetics
Classification: Uncertain significance. Last evaluated: 2025-06-27. Review status: criteria provided, single submitter. Criteria: Ambry Variant Classification Scheme 2023. Collection method: clinical testing. Allele origin: germline.

PreventionGenetics, part of Exact Sciences
Classification: Uncertain significance for PI4KB-related condition. Last evaluated: 2025-03-25. Review status: criteria provided, single submitter. Criteria: ACMG Guidelines, 2015. Collection method: clinical testing. Allele origin: germline.
Comment: The PI4KB c.544G>A variant is predicted to result in the amino acid substitution p.Glu182Lys. To our knowledge, this variant has not been reported in the literature. This variant is reported in 0.0062% of alleles in individuals of European (Non-Finnish) descent in gnomAD. At this time, the clinical significance of this variant is uncertain due to the absence of conclusive functional and genetic evidence.